The following is an entry in ClinVar:

ClinVar aggregate classification (germline): Uncertain significance. Review status: criteria provided, multiple submitters, no conflicts (2 of 4 stars). 2 submissions from 2 submitters: Uncertain significance (2). Last evaluated 2026-03-11.

Conditions:
RIPK1-related disorder. Also called: RIPK1-related condition.

gnomAD v4.1: 7 of 1,613,844 alleles (0.00043%); highest among the groups gnomAD compares: Non-Finnish European, 0.00059%; no homozygotes.

Submissions (2):

PreventionGenetics, part of Exact Sciences
Classification: Uncertain significance for RIPK1-related condition. Last evaluated: 2026-03-11. Review status: criteria provided, single submitter. Criteria: ACMG Guidelines, 2015. Collection method: clinical testing. Allele origin: germline.
Comment: The RIPK1 c.485T>C variant is predicted to result in the amino acid substitution p.Phe162Ser. To our knowledge, this variant has not been reported in the literature. This variant is reported in 0.0065% of alleles in individuals of European (Non-Finnish) descent in gnomAD. At this time, the clinical significance of this variant is uncertain due to the absence of conclusive functional and genetic evidence.

Labcorp Genetics (formerly Invitae), Labcorp
Classification: Uncertain significance. Last evaluated: 2025-03-21. Review status: criteria provided, single submitter. Criteria: Invitae Variant Classification Sherloc (09022015). Collection method: clinical testing. Allele origin: germline.
Comment: This sequence change replaces phenylalanine, which is neutral and non-polar, with serine, which is neutral and polar, at codon 162 of the RIPK1 protein (p.Phe162Ser). This variant is present in population databases (no rsID available, gnomAD 0.007%). This variant has not been reported in the literature in individuals affected with RIPK1-related conditions. An algorithm developed to predict the effect of missense changes on protein structure and function (PolyPhen-2) suggests that this variant is likely to be disruptive. In summary, the available evidence is currently insufficient to determine the role of this variant in disease. Therefore, it has been classified as a Variant of Uncertain Significance.

NM_001354930.2(RIPK1):c.485T>C (p.Phe162Ser)

Gene: RIPK1 (receptor interacting serine/threonine kinase 1; plus strand). Cytogenetic location: 6p25.2.
Variant type: single nucleotide variant.
Coding change: c.485T>C on transcript NM_001354930.2 (MANE Select); coding-DNA position 485, T replaced by C.
Protein change: p.Phe162Ser; replaces phenylalanine 162 with serine.
Molecular consequence: missense variant. On other transcripts: 5 prime UTR variant (4).
Genome position (GRCh38, 1-based): chr6:3,083,110, T>C. VCF-style: chr6-3083110-T-C. GRCh37 (hg19) VCF-style: chr6-3083344-T-C.
Other names: c.-5T>C (NM_001317061.3, NM_001354932.2, NM_001354933.2 and 1 more transcripts); c.347T>C, p.Phe116Ser (NM_001354931.2); c.485T>C, p.Phe162Ser (NM_003804.6); c.485T>C (NM_003804.4); short protein forms F116S, F162S.
Identifiers: ClinVar variation 4764762 (VCV004764762.2).